The following is an entry in ClinVar:

ClinVar aggregate classification (germline): Uncertain significance (1 of 4 stars; one submission).

Conditions:
Long QT syndrome (LQTS). Identifiers: MedGen C0023976, MeSH D008133, MONDO:0002442. Disease mechanism: loss of function. Inheritance: Various modes of inheritance.

Submission:

Labcorp Genetics (formerly Invitae), Labcorp
Classification: Uncertain significance for Long QT syndrome. Last evaluated: 2022-11-08. Review status: criteria provided, single submitter. Criteria: Invitae Variant Classification Sherloc (09022015). Collection method: clinical testing. Allele origin: germline.
Comment: In summary, the available evidence is currently insufficient to determine the role of this variant in disease. Therefore, it has been classified as a Variant of Uncertain Significance. Algorithms developed to predict the effect of missense changes on protein structure and function (SIFT, PolyPhen-2, Align-GVGD) all suggest that this variant is likely to be tolerated. This variant has not been reported in the literature in individuals affected with ANK2-related conditions. This variant is not present in population databases (gnomAD no frequency). This sequence change replaces serine, which is neutral and polar, with asparagine, which is neutral and polar, at codon 2367 of the ANK2 protein (p.Ser2367Asn).

NM_001148.6(ANK2):c.7100G>A (p.Ser2367Asn)

Genes: ANK2 (ankyrin 2; plus strand), LOC126807137 (CDK7 strongly-dependent group 2 enhancer GRCh37_chr4:114276560-114277759; plus strand). Cytogenetic location: 4q26.
Variant type: single nucleotide variant.
Coding change: c.7100G>A on transcript NM_001148.6 (MANE Select); coding-DNA position 7100, G replaced by A.
Protein change: p.Ser2367Asn; replaces serine 2367 with asparagine.
Molecular consequence: missense variant. On other transcripts: intron variant (68).
Genome position (GRCh38, 1-based): chr4:113,355,718, G>A. VCF-style: chr4-113355718-G-A. GRCh37 (hg19) VCF-style: chr4-114276874-G-A.
Other names: c.6866G>A, p.Ser2289Asn (NM_001386142.1); c.3500G>A, p.Ser1167Asn (NM_001386166.1); c.7241G>A, p.Ser2414Asn (NM_001386174.1); c.7217G>A, p.Ser2406Asn (NM_001386175.1); c.4412-5105G>A (NM_001386186.2, NM_001386148.2); c.4214-5105G>A (NM_001354269.3); c.4292-5105G>A (NM_001386187.2); c.4253-5105G>A (NM_001386147.1); and 35 more; short protein forms S1167N, S2367N, S2406N, S2289N, S2414N.
Identifiers: ClinVar variation 2741385 (VCV002741385.3), dbSNP rs1455702684, ClinGen allele CA357929413.
Genomic context (GRCh38, chr4:113,355,718, plus strand): 5'-CAGCCTGTGATGAAGGTCAACGTACCTTTGGTAGTTCAGCCCACAAGACACAAACTGATA[G>A]TGAGGTTCAAGAATCCACAGCCACCTCAGACGAGACAAAGGCCTTGCCGCTGCCTGAGGC-3'
Protein context (NP_001139.3, residues 2357-2377): GSSAHKTQTD[Ser2367Asn]EVQESTATSD